The following is an entry in ClinVar:

ClinVar aggregate classification (germline): Likely benign (1 of 4 stars; one submission).

gnomAD v4.1: 2 of 1,613,974 alleles (0.00012%); highest among the groups gnomAD compares: East Asian, 0.0045%; no homozygotes.

Submission:

CeGaT Center for Human Genetics Tuebingen
Classification: Likely benign. Last evaluated: 2025-12-01. Review status: criteria provided, single submitter. Criteria: CeGaT Center For Human Genetics Tuebingen Variant Classification Criteria Version 2. Collection method: clinical testing. Allele origin: germline. Affected: yes. Observed: 1 variant allele.
Comment: MED13: BP4, BP7

NM_005121.3(MED13):c.3055C>A (p.Arg1019=)

Gene: MED13 (mediator complex subunit 13; minus strand). Cytogenetic location: 17q23.2.
Variant type: single nucleotide variant.
Coding change: c.3055C>A on transcript NM_005121.3 (MANE Select); coding-DNA position 3055, C replaced by A.
Protein change: p.Arg1019=; no amino-acid change (arginine 1019 retained).
Molecular consequence: synonymous variant.
Genome position (GRCh38, 1-based): chr17:61,982,948, G>T on the plus strand (C>A on the coding strand, the complement: MED13 is on the minus strand). VCF-style: chr17-61982948-G-T. GRCh37 (hg19) VCF-style: chr17-60060309-G-T.
Identifiers: ClinVar variation 4681888 (VCV004681888.5).